The following is an entry in ClinVar:

NM_000256.3(MYBPC3):c.3605G>C (p.Cys1202Ser)

Gene: MYBPC3 (myosin binding protein C3; minus strand). Cytogenetic location: 11p11.2.
Variant type: single nucleotide variant.
Coding change: c.3605G>C on transcript NM_000256.3 (MANE Select); coding-DNA position 3605, G replaced by C.
Protein change: p.Cys1202Ser; replaces cysteine 1202 with serine.
Molecular consequence: missense variant.
Genome position (GRCh38, 1-based): chr11:47,332,588, C>G on the plus strand (G>C on the coding strand, the complement: MYBPC3 is on the minus strand). VCF-style: chr11-47332588-C-G. GRCh37 (hg19) VCF-style: chr11-47354139-C-G.
Other names: c.3605G>C, p.Cys1202Ser (LRG_386t1); short protein forms C1202S.
Identifiers: ClinVar variation 407314 (VCV000407314.20), dbSNP rs727503170, ClinGen allele CA16613579.

ClinVar aggregate classification (germline): Uncertain significance. Review status: criteria provided, multiple submitters, no conflicts (2 of 4 stars). 7 submissions from 7 submitters: Uncertain significance (7). Last evaluated 2026-03-26.

Conditions:
MYBPC3-related disorder. Also called: MYBPC3-related disorders; MYBPC3-related condition; MYBPC3-related disease.
Cardiovascular phenotype. Identifiers: MedGen CN230736.
Hypertrophic cardiomyopathy 4. Also called: Familial hypertrophic cardiomyopathy 4. Identifiers: MedGen C1861862, MONDO:0007268, OMIM 115197.
Left ventricular noncompaction 10 (LVNC10). Identifiers: Orphanet 154, Orphanet 54260, MedGen C3715165, MONDO:0014163, OMIM 615396.
Cardiomyopathy (CMYO). Also called: Cardiomyopathies. Identifiers: Orphanet 167848, MedGen C0878544, MONDO:0004994, HP:0001638. Inheritance: Various modes of inheritance.
Hypertrophic cardiomyopathy. Also called: HYPERTROPHIC MYOCARDIOPATHY. Identifiers: Orphanet 217569, MedGen C0007194, MeSH D002312, MONDO:0005045, HP:0001639.

Allele frequency attached by ClinVar (database versions not stated): gnomAD 0.00001; TOPMed 0.00001.

Submissions (7):

PreventionGenetics, part of Exact Sciences
Classification: Uncertain significance for MYBPC3-related condition. Last evaluated: 2026-03-26. Review status: criteria provided, single submitter. Criteria: ACMG Guidelines, 2015. Collection method: clinical testing. Allele origin: germline.
Comment: The MYBPC3 c.3605G>C variant is predicted to result in the amino acid substitution p.Cys1202Ser. To our knowledge, this variant has not been reported in the literature or in a large population database (gnomAD), indicating this variant is rare. A different nucleotide substitution affecting the same amino acid (p.Cys1202Tyr) has been reported in an individual with hypertrophic cardiomyopathy (Table S1B, Walsh et al. 2017. PubMed ID: 27532257). At this time, the clinical significance of the c.3605G>C (p.Cys1202Ser) variant is uncertain due to the absence of conclusive functional and genetic evidence.

Labcorp Genetics (formerly Invitae), Labcorp
Classification: Uncertain significance for Hypertrophic cardiomyopathy. Last evaluated: 2025-05-05. Review status: criteria provided, single submitter. Criteria: Invitae Variant Classification Sherloc (09022015). Collection method: clinical testing. Allele origin: germline.
Comment: This sequence change replaces cysteine, which is neutral and slightly polar, with serine, which is neutral and polar, at codon 1202 of the MYBPC3 protein (p.Cys1202Ser). This variant is not present in population databases (gnomAD no frequency). This variant has not been reported in the literature in individuals affected with MYBPC3-related conditions. ClinVar contains an entry for this variant (Variation ID: 407314). An algorithm developed to predict the effect of missense changes on protein structure and function (PolyPhen-2) suggests that this variant is likely to be disruptive. In summary, the available evidence is currently insufficient to determine the role of this variant in disease. Therefore, it has been classified as a Variant of Uncertain Significance.

Ambry Genetics
Classification: Uncertain significance for Cardiovascular phenotype. Last evaluated: 2025-03-20. Review status: criteria provided, single submitter. Criteria: Ambry Variant Classification Scheme 2023. Collection method: clinical testing. Allele origin: germline.
Comment: The p.C1202S variant (also known as c.3605G>C), located in coding exon 32 of the MYBPC3 gene, results from a G to C substitution at nucleotide position 3605. The cysteine at codon 1202 is replaced by serine, an amino acid with dissimilar properties. This amino acid position is highly conserved in available vertebrate species. In addition, this alteration is predicted to be deleterious by in silico analysis. Since supporting evidence is limited at this time, the clinical significance of this alteration remains unclear.

All of Us Research Program, National Institutes of Health
Classification: Uncertain significance for Hypertrophic cardiomyopathy. Last evaluated: 2024-06-09. Review status: criteria provided, single submitter. Criteria: ACMG Guidelines, 2015. Collection method: clinical testing. Allele origin: germline. Inheritance: Autosomal dominant inheritance. Observed: 1 variant allele, 1 heterozygote.
Comment: This missense variant replaces cysteine with serine at codon 1202 of the MYBPC3 protein. Computational prediction tools and conservation analyses suggest that this variant may have deleterious impact on the protein function. Computational splicing tools suggest that this variant may not impact RNA splicing. To our knowledge, functional assays have not been performed for this variant nor has this variant been reported in individuals affected with cardiovascular disorders in the literature. This variant has not been identified in the general population by the Genome Aggregation Database (gnomAD). Available evidence is insufficient to determine the role of this variant in disease conclusively. Therefore, this variant is classified as a Variant of Uncertain Significance.

This study involves interpretation of variants in research participants for the purpose of population health screening. Participant phenotype was not available at the time of variant classification. Additional details can be found in publication PMID: 35346344, PMCID: PMC8962531

GeneDx
Classification: Uncertain significance. Last evaluated: 2024-05-09. Review status: criteria provided, single submitter. Criteria: GeneDx Variant Classification Process June 2021. Collection method: clinical testing. Allele origin: germline. Affected: yes.
Comment: Not observed at significant frequency in large population cohorts (gnomAD); In silico analysis supports that this missense variant has a deleterious effect on protein structure/function; Has not been previously published as pathogenic or benign to our knowledge

Color Diagnostics, LLC DBA Color Health
Classification: Uncertain significance for Cardiomyopathy. Last evaluated: 2023-12-05. Review status: criteria provided, single submitter. Criteria: ACMG Guidelines, 2015. Collection method: clinical testing. Allele origin: germline.
Comment: This missense variant replaces cysteine with serine at codon 1202 of the MYBPC3 protein. Computational prediction tools and conservation analyses suggest that this variant may have deleterious impact on the protein function. Computational splicing tools suggest that this variant may not impact RNA splicing. To our knowledge, functional assays have not been performed for this variant nor has this variant been reported in individuals affected with cardiovascular disorders in the literature. This variant has not been identified in the general population by the Genome Aggregation Database (gnomAD). Available evidence is insufficient to determine the role of this variant in disease conclusively. Therefore, this variant is classified as a Variant of Uncertain Significance.

Fulgent Genetics
Classification: Uncertain significance for Hypertrophic cardiomyopathy 4; Left ventricular noncompaction 10. Last evaluated: 2021-11-03. Review status: criteria provided, single submitter. Criteria: ACMG Guidelines, 2015. Collection method: clinical testing. Allele origin: unknown.